The following is an entry in ClinVar:

NM_003482.4(KMT2D):c.2954C>G (p.Pro985Arg)

Gene: KMT2D (lysine methyltransferase 2D; minus strand). Cytogenetic location: 12q13.12.
Variant type: single nucleotide variant.
Coding change: c.2954C>G on transcript NM_003482.4 (MANE Select); coding-DNA position 2954, C replaced by G.
Protein change: p.Pro985Arg; replaces proline 985 with arginine.
Molecular consequence: missense variant.
Genome position (GRCh38, 1-based): chr12:49,050,634, G>C on the plus strand (C>G on the coding strand, the complement: KMT2D is on the minus strand). VCF-style: chr12-49050634-G-C. GRCh37 (hg19) VCF-style: chr12-49444417-G-C.
Other names: short protein forms P985R.
Identifiers: ClinVar variation 3635163 (VCV003635163.2).

ClinVar aggregate classification (germline): Uncertain significance (1 of 4 stars; one submission).

Conditions:
Kabuki syndrome. Also called: NIIKAWA-KUROKI SYNDROME; Kabuki make-up syndrome. Identifiers: Orphanet 2322, MedGen C0796004, MONDO:0016512.

Submission:

Labcorp Genetics (formerly Invitae), Labcorp
Classification: Uncertain significance for Kabuki syndrome. Last evaluated: 2024-12-31. Review status: criteria provided, single submitter. Criteria: Invitae Variant Classification Sherloc (09022015). Collection method: clinical testing. Allele origin: germline.
Comment: This sequence change replaces proline, which is neutral and non-polar, with arginine, which is basic and polar, at codon 985 of the KMT2D protein (p.Pro985Arg). This variant is not present in population databases (gnomAD no frequency). This variant has not been reported in the literature in individuals affected with KMT2D-related conditions. Invitae Evidence Modeling of protein sequence and biophysical properties (such as structural, functional, and spatial information, amino acid conservation, physicochemical variation, residue mobility, and thermodynamic stability) indicates that this missense variant is not expected to disrupt KMT2D protein function with a negative predictive value of 95%. In summary, the available evidence is currently insufficient to determine the role of this variant in disease. Therefore, it has been classified as a Variant of Uncertain Significance.